The following is an entry in ClinVar:

ClinVar aggregate classification (germline): Uncertain significance (1 of 4 stars; one submission).

Conditions:
Long QT syndrome 1 (LQT1). Identifiers: Orphanet 101016, Orphanet 768, MedGen C4551647, MONDO:0100316, OMIM 192500, MONDO:0008646.

Submission:

Labcorp Genetics (formerly Invitae), Labcorp
Classification: Uncertain significance for Long QT syndrome 1. Last evaluated: 2021-04-27. Review status: criteria provided, single submitter. Criteria: Invitae Variant Classification Sherloc (09022015). Collection method: clinical testing. Allele origin: germline.
Comment: In summary, the available evidence is currently insufficient to determine the role of this variant in disease. Therefore, it has been classified as a Variant of Uncertain Significance. Experimental studies and prediction algorithms are not available or were not evaluated, and the functional significance of this variant is currently unknown. This variant has not been reported in the literature in individuals with CALM3-related conditions. This variant results in a copy number gain of the genomic region encompassing exon(s) 2-6 of the CALM3 gene. The 5' boundary is likely confined to intron 1. The 3' end of this event is unknown as it extends beyond the assayed region for this gene and therefore may encompass additional genes. As the precise location of this event is unknown, it may be in tandem or it may be located elsewhere in the genome.

NC_000019.9:g.(?_47109064)_(47112410_?)dup

Gene: CALM3 (calmodulin 3; plus strand). Cytogenetic location: 19q13.32.
Variant type: Duplication.
Identifiers: ClinVar variation 1448365 (VCV001448365.4).